The following is an entry in ClinVar:

ClinVar aggregate classification (germline): Likely benign. Review status: criteria provided, single submitter (1 of 4 stars). 2 submissions from 2 submitters: Likely benign (1). 1 of the submissions does not count toward it. Last evaluated 2023-10-13.

Conditions:
Senior-Loken syndrome 7 (SLSN7). Identifiers: Orphanet 3156, MedGen C3150877, MONDO:0013326, OMIM 613615.
Bardet-Biedl syndrome 16 (BBS16). Identifiers: Orphanet 110, MedGen C3889474, MONDO:0014444, OMIM 615993.
SDCCAG8-related disorder. Also called: SDCCAG8-Related Disorders; SDCCAG8-related condition.

Allele frequency attached by ClinVar (database versions not stated): gnomAD exomes below 0.00001 and 0.00001; ExAC 0.00001; TOPMed 0.00002; gnomAD 0.00003.
gnomAD v4.1: 10 of 1,613,848 alleles (0.00062%); highest among the groups gnomAD compares: African/African-American, 0.0094%; no homozygotes.

Submissions (2):

Labcorp Genetics (formerly Invitae), Labcorp
Classification: Likely benign for Bardet-Biedl syndrome 16; Senior-Loken syndrome 7. Last evaluated: 2023-10-13. Review status: criteria provided, single submitter. Criteria: Invitae Variant Classification Sherloc (09022015). Collection method: clinical testing. Allele origin: germline.

PreventionGenetics, part of Exact Sciences
Classification: Likely benign for SDCCAG8-related condition. Last evaluated: 2023-05-15. Review status: no assertion criteria provided. Collection method: clinical testing. Allele origin: germline. Not counted in ClinVar's aggregate classification.
Comment: This variant is classified as likely benign based on ACMG/AMP sequence variant interpretation guidelines (Richards et al. 2015 PMID: 25741868, with internal and published modifications).

NM_006642.5(SDCCAG8):c.1086C>T (p.Asp362=)

Gene: SDCCAG8 (SHH signaling and ciliogenesis regulator SDCCAG8; plus strand). Cytogenetic location: 1q43.
Variant type: single nucleotide variant.
Coding change: c.1086C>T on transcript NM_006642.5 (MANE Select); coding-DNA position 1086, C replaced by T.
Protein change: p.Asp362=; no amino-acid change (aspartic acid 362 retained).
Molecular consequence: synonymous variant.
Genome position (GRCh38, 1-based): chr1:243,330,557, C>T. VCF-style: chr1-243330557-C-T. GRCh37 (hg19) VCF-style: chr1-243493859-C-T.
Other names: c.183C>T, p.Asp61= (NM_001350246.2, NM_001350247.2, NM_001350251.2); c.1182C>T, p.Asp394= (NM_001350248.2); c.792C>T, p.Asp264= (NM_001350249.2); c.1086C>T (NM_006642.3).
Identifiers: ClinVar variation 1127179 (VCV001127179.11), dbSNP rs753378348, ClinGen allele CA1483551.